The following is an entry in ClinVar:

ClinVar aggregate classification (germline): Pathogenic. Review status: criteria provided, multiple submitters, no conflicts (2 of 4 stars). 3 submissions from 3 submitters: Pathogenic (3). Last evaluated 2024-09-22.

Conditions:
ABCA4-related disorder. Also called: ABCA4-related condition; ABCA4-related disorders. Identifiers: MedGen CN239167.

Submissions (3):

Blueprint Genetics
Classification: Pathogenic for ABCA4-related disorders. Last evaluated: 2024-09-22. Review status: criteria provided, single submitter. Criteria: ACMG Guidelines, 2015. Collection method: clinical testing. Allele origin: germline. Affected: yes. Observed: 5 variant alleles.

GeneDx
Classification: Pathogenic. Last evaluated: 2024-04-18. Review status: criteria provided, single submitter. Criteria: GeneDx Variant Classification Process June 2021. Collection method: clinical testing. Allele origin: germline. Affected: yes.
Comment: Identified in additional patients with features of Stargardt disease in published literature (PMID: 35120629, 32307445); Canonical splice site variant predicted to result in a null allele in a gene for which loss of function is a known mechanism of disease; Not observed at significant frequency in large population cohorts (gnomAD); This variant is associated with the following publications: (PMID: 32307445, 35120629)

Labcorp Genetics (formerly Invitae), Labcorp
Classification: Pathogenic. Last evaluated: 2023-10-11. Review status: criteria provided, single submitter. Criteria: Invitae Variant Classification Sherloc (09022015). Collection method: clinical testing. Allele origin: germline.
Comment: This sequence change creates a premature translational stop signal (Splice site) in the ABCA4 gene. It is expected to result in an absent or disrupted protein product. Loss-of-function variants in ABCA4 are known to be pathogenic (PMID: 10958761, 24938718, 25312043, 26780318). This variant is not present in population databases (gnomAD no frequency). This variant has not been reported in the literature in individuals affected with ABCA4-related conditions. This variant is also known as c.4634+1del. ClinVar contains an entry for this variant (Variation ID: 866546). Algorithms developed to predict the effect of sequence changes on RNA splicing suggest that this variant may disrupt the consensus splice site. For these reasons, this variant has been classified as Pathogenic.

Literature cited by the submitters: PubMed 10958761 (cited by Labcorp Genetics (formerly Invitae), Labcorp); PubMed 24938718 (cited by Labcorp Genetics (formerly Invitae), Labcorp); PubMed 25312043 (cited by Labcorp Genetics (formerly Invitae), Labcorp); PubMed 26780318 (cited by Labcorp Genetics (formerly Invitae), Labcorp).

NM_000350.3(ABCA4):c.4634+1del

Gene: ABCA4 (ATP binding cassette subfamily A member 4; minus strand). Cytogenetic location: 1p22.1.
Variant type: Deletion.
Coding change: c.4634+1del on transcript NM_000350.3 (MANE Select); the canonical splice donor site of the intron after coding-DNA position 4634, one base deleted (G; older notation c.4634+1delG).
Molecular consequence: splice donor variant.
Genome position (GRCh38, 1-based): chr1:94,024,953, C deleted on the plus strand (G on the coding strand, the reverse complement: ABCA4 is on the minus strand); the first of 2 consecutive C bases (chr1:94,024,953-94,024,954); deleting either gives the same sequence. VCF-style (leftmost placement, unchanged base first): chr1-94024952-AC-A. GRCh37 (hg19) VCF-style: chr1-94490508-AC-A.
Identifiers: ClinVar variation 866546 (VCV000866546.10), dbSNP rs1659997092, ClinGen allele CA916082058.